The following is an entry in ClinVar:

ClinVar aggregate classification (germline): Uncertain significance (1 of 4 stars; one submission).

Conditions:
IGF1R-related disorder. Also called: IGF1R-related condition.

Submission:

PreventionGenetics, part of Exact Sciences
Classification: Uncertain significance for IGF1R-related condition. Last evaluated: 2025-08-27. Review status: criteria provided, single submitter. Criteria: ACMG Guidelines, 2015. Collection method: clinical testing. Allele origin: germline.
Comment: The IGF1R c.3341A>C variant is predicted to result in the amino acid substitution p.Gln1114Pro. To our knowledge, this variant has not been reported in the literature or in a large population database (gnomAD), indicating this variant is rare. At this time, the clinical significance of this variant is uncertain due to the absence of conclusive functional and genetic evidence.

NM_000875.5(IGF1R):c.3341A>C (p.Gln1114Pro)

Gene: IGF1R (insulin like growth factor 1 receptor; plus strand). Cytogenetic location: 15q26.3.
Variant type: single nucleotide variant.
Coding change: c.3341A>C on transcript NM_000875.5 (MANE Select); coding-DNA position 3341, A replaced by C.
Protein change: p.Gln1114Pro; replaces glutamine 1114 with proline.
Molecular consequence: missense variant.
Genome position (GRCh38, 1-based): chr15:98,939,244, A>C. VCF-style: chr15-98939244-A-C. GRCh37 (hg19) VCF-style: chr15-99482473-A-C.
Other names: c.3338A>C, p.Gln1113Pro (NM_001291858.2); short protein forms Q1113P, Q1114P.
Identifiers: ClinVar variation 4992402 (VCV004992402.1).